The following is an entry in ClinVar:

NM_001369.3(DNAH5):c.6001_6008dup (p.Phe2004fs)

Gene: DNAH5 (dynein axonemal heavy chain 5; minus strand). Cytogenetic location: 5p15.2.
Variant type: Duplication.
Coding change: c.6001_6008dup on transcript NM_001369.3 (MANE Select); coding-DNA positions 6001 to 6008, 8 bases duplicated (GTCGTGGT; older notation c.6001_6008dupGTCGTGGT).
Protein change: p.Phe2004fs; shifts the reading frame from phenylalanine 2004.
Molecular consequence: frameshift variant.
Genome position (GRCh38, 1-based): chr5:13,830,650-13,830,657, ACCACGAC duplicated on the plus strand (GTCGTGGT on the coding strand, the reverse complement: DNAH5 is on the minus strand). VCF-style (leftmost placement, unchanged base first): chr5-13830649-A-AACCACGAC. GRCh37 (hg19) VCF-style: chr5-13830758-A-AACCACGAC.
Other names: short protein forms F2004fs.
Identifiers: ClinVar variation 4814907 (VCV004814907.1).

ClinVar aggregate classification (germline): Likely pathogenic (1 of 4 stars; one submission).

Conditions:
Primary ciliary dyskinesia. Also called: Ciliary dyskinesia. Identifiers: Orphanet 244, MedGen C0008780, MONDO:0016575, HP:0012265.

Submission:

Natera, Inc.
Classification: Likely pathogenic for Primary ciliary dyskinesia. Last evaluated: 2024-04-03. Review status: criteria provided, single submitter. Criteria: Natera Variant Classification Schema (03/2026). Collection method: clinical testing. Allele origin: germline.
Comment: The c.6001_6008dupGTCGTGGT variant in DNAH5 is a frameshift variant predicted to shift the reading frame beginning at codon 2004 and leads to a stop codon 53 codons downstream. This variant is expected to result in nonsense mediated decay, truncation, or a dysfunctional protein product. This variant is rare in the general population with a frequency below the threshold expected for the associated phenotype(s). Given the available evidence, this variant is classified as Likely Pathogenic.